The following is an entry in ClinVar:

NM_144499.3(GNAT1):c.757C>T (p.Arg253Cys)

Gene: GNAT1 (G protein subunit alpha transducin 1; plus strand). Cytogenetic location: 3p21.31.
Variant type: single nucleotide variant.
Coding change: c.757C>T on transcript NM_144499.3 (MANE Select); coding-DNA position 757, C replaced by T.
Protein change: p.Arg253Cys; replaces arginine 253 with cysteine.
Molecular consequence: missense variant.
Genome position (GRCh38, 1-based): chr3:50,194,549, C>T. VCF-style: chr3-50194549-C-T. GRCh37 (hg19) VCF-style: chr3-50231982-C-T.
Other names: c.757C>T, p.Arg253Cys (NM_000172.4); short protein forms R253C.
Identifiers: ClinVar variation 2117957 (VCV002117957.4), dbSNP rs777343556, ClinGen allele CA2412707.

ClinVar aggregate classification (germline): Uncertain significance (1 of 4 stars; one submission).

Allele frequency attached by ClinVar (database versions not stated): gnomAD exomes below 0.00001; ExAC 0.00001.

Submission:

Labcorp Genetics (formerly Invitae), Labcorp
Classification: Uncertain significance. Last evaluated: 2022-04-08. Review status: criteria provided, single submitter. Criteria: Invitae Variant Classification Sherloc (09022015). Collection method: clinical testing. Allele origin: germline.
Comment: This sequence change replaces arginine, which is basic and polar, with cysteine, which is neutral and slightly polar, at codon 253 of the GNAT1 protein (p.Arg253Cys). This variant is present in population databases (rs777343556, gnomAD 0.003%). This variant has not been reported in the literature in individuals affected with GNAT1-related conditions. Algorithms developed to predict the effect of missense changes on protein structure and function are either unavailable or do not agree on the potential impact of this missense change (SIFT: "Tolerated"; PolyPhen-2: "Possibly Damaging"; Align-GVGD: "Class C0"). In summary, the available evidence is currently insufficient to determine the role of this variant in disease. Therefore, it has been classified as a Variant of Uncertain Significance.